The following is an entry in ClinVar:

ClinVar aggregate classification (germline): Conflicting classifications of pathogenicity. Review status: criteria provided, conflicting classifications (1 of 4 stars). 13 submissions from 12 submitters: Uncertain significance (12); Likely benign (1). Last evaluated 2026-02-02.

Conditions:
SDHB-related disorder. Also called: SDHB-related condition; SDHB-related disorders. Identifiers: MedGen CN239418.
Mitochondrial complex 2 deficiency, nuclear type 4. Also called: MITOCHONDRIAL COMPLEX II DEFICIENCY, NUCLEAR TYPE 4. Identifiers: MedGen C5543176, MONDO:0030974, OMIM 619224.
Carney-Stratakis syndrome. Also called: PARAGANGLIOMA AND GASTROINTESTINAL STROMAL TUMOR. Identifiers: Orphanet 97286, MedGen C1847319, MONDO:0011740, OMIM 606864.
Pheochromocytoma/paraganglioma syndrome 4. Also called: CAROTID BODY TUMORS AND MULTIPLE EXTRAADRENAL PHEOCHROMOCYTOMAS; PARAGANGLIOMA, FAMILIAL MALIGNANT; PARAGANGLIOMAS, HEREDITARY EXTRAADRENAL; PHEOCHROMOCYTOMA, FAMILIAL EXTRAADRENAL; Paragangliomas 4; SDHB-Related Hereditary Paraganglioma-Pheochromocytoma Syndrome (Paragangliomas 4). Identifiers: Orphanet 29072, MedGen C1861848, MONDO:0007273, OMIM 115310.
Gastrointestinal stromal tumor. Also called: Gastrointestinal stromal tumor, somatic; Gastrointestinal stroma tumor. Identifiers: Orphanet 44890, MedGen C0238198, MeSH D046152, MONDO:0011719, OMIM 606764, HP:0100723.
Pheochromocytoma. Also called: MAX-Related Hereditary Paraganglioma-Pheochromocytoma Syndrome. Identifiers: Orphanet 29072, MedGen C0031511, MONDO:0008233, OMIM 171300, HP:0002666.
Cowden syndrome (CS). Also called: Cowden's disease; Cowden's syndrome; Cowden disease. Identifiers: Orphanet 201, MedGen C0018553, MONDO:0016063. Disease mechanism: gain of function.
Hereditary cancer-predisposing syndrome. Also called: Tumor predisposition; Hereditary neoplastic syndrome; Hereditary Cancer Syndrome; Neoplastic Syndromes, Hereditary. Identifiers: Orphanet 140162, MedGen C0027672, MeSH D009386, MONDO:0015356.
Hereditary pheochromocytoma and paraganglioma. Also called: Hereditary paragangliomas and pheochromocytomas; Hereditary pheochromocytoma-paraganglioma; Hereditary Paraganglioma-Pheochromocytoma Syndromes. Identifiers: Orphanet 29072, MedGen C4274332, MONDO:0017366.

Allele frequency attached by ClinVar (database versions not stated): TOPMed 0.00001; gnomAD exomes 0.00010; ExAC 0.00014.

Submissions (13):

Labcorp Genetics (formerly Invitae), Labcorp
Classification: Uncertain significance for Gastrointestinal stromal tumor; Pheochromocytoma/paraganglioma syndrome 4; Pheochromocytoma. Last evaluated: 2026-02-02. Review status: criteria provided, single submitter. Criteria: Invitae Variant Classification Sherloc (09022015). Collection method: clinical testing. Allele origin: germline.
Comment: This sequence change replaces tyrosine, which is neutral and polar, with cysteine, which is neutral and slightly polar, at codon 147 of the SDHB protein (p.Tyr147Cys). This variant is present in population databases (rs774568101, gnomAD 0.04%). This missense change has been observed in individual(s) with clinical features of SDHB-related conditions (PMID: 28229225, 34309460; internal data). ClinVar contains an entry for this variant (Variation ID: 412466). Invitae Evidence Modeling of protein sequence and biophysical properties (such as structural, functional, and spatial information, amino acid conservation, physicochemical variation, residue mobility, and thermodynamic stability) indicates that this missense variant is expected to disrupt SDHB protein function with a positive predictive value of 80%. Experimental studies have shown that this missense change affects SDHB function (PMID: 28229225). In summary, the available evidence is currently insufficient to determine the role of this variant in disease. Therefore, it has been classified as a Variant of Uncertain Significance.

PreventionGenetics, part of Exact Sciences
Classification: Uncertain significance for SDHB-related condition. Last evaluated: 2025-10-22. Review status: criteria provided, single submitter. Criteria: ACMG Guidelines, 2015. Collection method: clinical testing. Allele origin: germline.
Comment: The SDHB c.440A>G variant is predicted to result in the amino acid substitution p.Tyr147Cys. This variant was reported in individuals with pheochromocytoma or paraganglioma (Maignan et al. 2017. PubMed ID: 28229225; Pipitprapat et al. 2021. PubMed ID: 34309460; Garrett et al. 2021. PubMed ID: 34906457). Functional studies showed reduced mitochondrial localization and reduced SDHB activity compared to wild type (Maignan et al. 2017. PubMed ID: 28229225). This variant is reported in 0.039% of alleles in individuals of South Asian descent in gnomAD. This variant has conflicting interpretations in ClinVar ranging from uncertain to likely benign (Variation ID: 412466). At this time, the clinical significance of this variant is uncertain due to the absence of conclusive functional and genetic evidence.

CeGaT Center for Human Genetics Tuebingen
Classification: Uncertain significance. Last evaluated: 2025-09-01. Review status: criteria provided, single submitter. Criteria: CeGaT Center For Human Genetics Tuebingen Variant Classification Criteria Version 2. Collection method: clinical testing. Allele origin: germline. Affected: yes. Observed: 1 variant allele.
Comment: SDHB: PP3

Quest Diagnostics Nichols Institute San Juan Capistrano
Classification: Uncertain significance. Last evaluated: 2025-05-16. Review status: criteria provided, single submitter. Criteria: Quest Diagnostics criteria. Collection method: clinical testing. Allele origin: unknown.

Department of Pathology and Laboratory Medicine, Sinai Health System
Classification: Uncertain significance for Pheochromocytoma/paraganglioma syndrome 4; Gastrointestinal stromal tumor; Carney-Stratakis syndrome; Mitochondrial complex 2 deficiency, nuclear type 4. Last evaluated: 2024-08-26. Review status: criteria provided, single submitter. Criteria: ACMG Guidelines, 2015. Collection method: clinical testing. Allele origin: germline.

All of Us Research Program, National Institutes of Health
Classification: Uncertain significance for Hereditary pheochromocytoma and paraganglioma. Last evaluated: 2024-03-24. Review status: criteria provided, single submitter. Criteria: ACMG Guidelines, 2015. Collection method: clinical testing. Allele origin: germline. Inheritance: Autosomal dominant inheritance. Observed: 12 variant alleles, 12 heterozygotes.
Comment: This missense variant replaces tyrosine with cysteine at codon 147 of the SDHB protein. Computational prediction suggests that this variant may have deleterious impact on protein structure and function (internally defined REVEL score threshold >= 0.7, PMID: 27666373). An experimental functional study have shown that this variant results in decreased SDHB mitochondrial membrane localization, and reduced SDH activity (PMID: 28229225). This variant has been reported in individuals affected with paraganglioma (PGL) or pheochromocytoma (PCC) in the literature (PMID: 28229225, 34309460, 34906457). This variant has been identified in 26/251178 chromosomes in the general population by the Genome Aggregation Database (gnomAD). The available evidence is insufficient to determine the role of this variant in disease conclusively. Therefore, this variant is classified as a Variant of Uncertain Significance.

This study involves interpretation of variants in research participants for the purpose of population health screening. Participant phenotype was not available at the time of variant classification. Additional details can be found in publication PMID: 35346344, PMCID: PMC8962531

Color Diagnostics, LLC DBA Color Health
Classification: Uncertain significance for Hereditary pheochromocytoma and paraganglioma. Last evaluated: 2024-01-30. Review status: criteria provided, single submitter. Criteria: ACMG Guidelines, 2015. Collection method: clinical testing. Allele origin: germline.
Comment: This missense variant replaces tyrosine with cysteine at codon 147 of the SDHB protein. Computational prediction suggests that this variant may have deleterious impact on protein structure and function. An experimental functional study have shown that this variant results in decreased SDHB mitochondrial membrane localization, and reduced SDH activity (PMID: 28229225). This variant has been reported in individuals affected with paraganglioma (PGL) or pheochromocytoma (PCC) in the literature (PMID: 28229225, 34309460, 34906457). This variant has been identified in 26/251178 chromosomes in the general population by the Genome Aggregation Database (gnomAD). The available evidence is insufficient to determine the role of this variant in disease conclusively. Therefore, this variant is classified as a Variant of Uncertain Significance.

Baylor Genetics
Classification: Uncertain significance for Gastrointestinal stromal tumor. Last evaluated: 2023-12-24. Review status: criteria provided, single submitter. Criteria: ACMG Guidelines, 2015. Collection method: clinical testing. Allele origin: unknown.

Women's Health and Genetics/Laboratory Corporation of America, LabCorp
Classification: Uncertain significance. Last evaluated: 2023-08-15. Review status: criteria provided, single submitter. Criteria: LabCorp Variant Classification Summary - May 2015. Collection method: clinical testing. Allele origin: germline.
Comment: Variant summary: SDHB c.440A>G (p.Tyr147Cys) results in a non-conservative amino acid change located in the Succinate dehydogenase/fumarate reductase N-terminal domain (IPR025192) of the encoded protein sequence. Five of five in-silico tools predict a damaging effect of the variant on protein function. The variant allele was found at a frequency of 0.0001 in 251178 control chromosomes in the gnomAD database, including 1 homozygotes. The observed variant frequency is approximately 473 fold of the estimated maximal expected allele frequency for a pathogenic variant in SDHB causing Hereditary Paraganglioma-Pheochromocytoma Syndrome phenotype (2.2e-07), strongly suggesting that the variant is benign. c.440A>G has been reported in the literature in cohorts of individuals affected with Pheochromocytoma and as a VUS in settings of multigene panel testing among individuals with Pheochromocytomas and paragangliomas (PPGLs) (example, Maignan_2017, Pipitprapat_2021) and one report published a REVEL score of 0.87 for this variant (Garrett_2022). These report(s) do not provide unequivocal conclusions about association of the variant with Hereditary Paraganglioma-Pheochromocytoma Syndrome. The following publications have been ascertained in the context of this evaluation (PMID: 28229225, 34309460, 34906457). Five submitters have cited clinical-significance assessments for this variant to ClinVar after 2014 and classified the variant as VUS (n=4) or likely benign (n=1). Based on the evidence outlined above, the variant was classified as VUS-possibly benign.

GeneDx
Classification: Uncertain significance. Last evaluated: 2023-05-26. Review status: criteria provided, single submitter. Criteria: GeneDx Variant Classification Process June 2021. Collection method: clinical testing. Allele origin: germline. Affected: yes.
Comment: In silico analysis supports that this missense variant has a deleterious effect on protein structure/function; Published functional studies demonstrate that this variant may disrupt SDH cellular compartmentalization (Maignan et al., 2017); Observed in individuals with pheochromocytoma or paraganglioma (Maignan et al., 2017; Garrett et al., 2022); This variant is associated with the following publications: (PMID: 28229225, 34426522, 34906457)

Ambry Genetics
Classification: Likely benign for Hereditary cancer-predisposing syndrome. Last evaluated: 2021-09-21. Review status: criteria provided, single submitter. Criteria: Ambry Variant Classification Scheme 2023. Collection method: clinical testing. Allele origin: germline.

Baylor Genetics
Classification: Uncertain significance for Pheochromocytoma. Last evaluated: 2019-08-24. Review status: criteria provided, single submitter. Criteria: ACMG Guidelines, 2015. Collection method: clinical testing. Allele origin: paternal. Affected: yes. Study: CSER-TexasKidsCanSeq.
Comment: This variant was determined to be of uncertain significance according to ACMG Guidelines, 2015 [PMID:25741868].

Mendelics
Classification: Uncertain significance for COWDEN SYNDROME 2. Last evaluated: 2018-07-02. Review status: criteria provided, single submitter. Criteria: Mendelics Assertion Criteria 2017. Collection method: clinical testing. Allele origin: unknown.

Literature cited by the submitters: PubMed 28229225 (cited by 6 submitters); PubMed 34309460 (cited by 5 submitters); PubMed 34906457 (cited by 4 submitters).

NM_003000.3(SDHB):c.440A>G (p.Tyr147Cys)

Gene: SDHB (succinate dehydrogenase complex iron sulfur subunit B; minus strand). Cytogenetic location: 1p36.13.
Variant type: single nucleotide variant.
Coding change: c.440A>G on transcript NM_003000.3 (MANE Select); coding-DNA position 440, A replaced by G.
Protein change: p.Tyr147Cys; replaces tyrosine 147 with cysteine.
Molecular consequence: missense variant.
Genome position (GRCh38, 1-based): chr1:17,027,849, T>C on the plus strand (A>G on the coding strand, the complement: SDHB is on the minus strand). VCF-style: chr1-17027849-T-C. GRCh37 (hg19) VCF-style: chr1-17354344-T-C.
Other names: short protein forms Y147C.
Identifiers: ClinVar variation 412466 (VCV000412466.35), dbSNP rs774568101, ClinGen allele CA089628.